The following is an entry in ClinVar:

ClinVar aggregate classification (germline): Uncertain significance (1 of 4 stars; one submission).

Conditions:
Nephronophthisis 14 (NPHP14). Identifiers: Orphanet 2318, MedGen C3539071, MONDO:0013916, OMIM 614844.

Submission:

Labcorp Genetics (formerly Invitae), Labcorp
Classification: Uncertain significance for Nephronophthisis 14. Last evaluated: 2020-01-23. Review status: criteria provided, single submitter. Criteria: Invitae Variant Classification Sherloc (09022015). Collection method: clinical testing. Allele origin: germline.
Comment: In summary, the available evidence is currently insufficient to determine the role of this variant in disease. Therefore, it has been classified as a Variant of Uncertain Significance. Algorithms developed to predict the effect of missense changes on protein structure and function are either unavailable or do not agree on the potential impact of this missense change (SIFT: "Deleterious"; PolyPhen-2: "Possibly Damaging"; Align-GVGD: "Class C0"). This variant has not been reported in the literature in individuals with ZNF423-related conditions. This variant is not present in population databases (ExAC no frequency). This sequence change replaces serine with glycine at codon 982 of the ZNF423 protein (p.Ser982Gly). The serine residue is highly conserved and there is a small physicochemical difference between serine and glycine.

NM_001379286.1(ZNF423):c.2968A>G (p.Ser990Gly)

Gene: ZNF423 (zinc finger protein 423; minus strand). Cytogenetic location: 16q12.1.
Variant type: single nucleotide variant.
Coding change: c.2968A>G on transcript NM_001379286.1 (MANE Select); coding-DNA position 2968, A replaced by G.
Protein change: p.Ser990Gly; replaces serine 990 with glycine.
Molecular consequence: missense variant.
Genome position (GRCh38, 1-based): chr16:49,636,208, T>C on the plus strand (A>G on the coding strand, the complement: ZNF423 is on the minus strand). VCF-style: chr16-49636208-T-C. GRCh37 (hg19) VCF-style: chr16-49670119-T-C.
Other names: c.2764A>G, p.Ser922Gly (NM_001271620.2); c.2593A>G, p.Ser865Gly (NM_001330533.2); c.2944A>G, p.Ser982Gly (NM_015069.5); short protein forms S865G, S922G, S982G, S990G.
Identifiers: ClinVar variation 1015342 (VCV001015342.9), dbSNP rs1972695081, ClinGen allele CA395840993.
Genomic context (GRCh38, chr16:49,636,208, plus strand): 5'-CCTCCTCGCTCTGCAGGGGCATCTTGCAGATGCGACAGGTGCCCGTGTCCAGGCTCTTGC[T>C]GTGGGTCACCTTGTGTTCGGTGAGCGTCAGCAGCGAAGGGAAGCGCTCACCACAGATGGG-3'
Protein context (NP_001366215.1, residues 980-1000): LTLTEHKVTH[Ser990Gly]KSLDTGTCRI